The following is an entry in ClinVar:

ClinVar aggregate classification (germline): Likely benign. Review status: criteria provided, multiple submitters, no conflicts (2 of 4 stars). 2 submissions from 2 submitters: Likely benign (2). Last evaluated 2023-09-20.

Conditions:
Autosomal recessive limb-girdle muscular dystrophy type 2J (LGMDR10). Also called: MUSCULAR DYSTROPHY, LIMB-GIRDLE, AUTOSOMAL RECESSIVE 10; Limb-girdle muscular dystrophy, type 2J. Identifiers: Orphanet 140922, MedGen C1837342, MONDO:0012127, OMIM 608807.
Dilated cardiomyopathy 1G (CMD1G). Identifiers: Orphanet 154, MedGen C1858763, MONDO:0011400, OMIM 604145.

Allele frequency attached by ClinVar (database versions not stated): TOPMed 0.00001.
gnomAD v4.1: 3 of 1,613,992 alleles (0.00019%); highest among the groups gnomAD compares: Non-Finnish European, 0.00025%; no homozygotes.

Submissions (2):

Labcorp Genetics (formerly Invitae), Labcorp
Classification: Likely benign for Dilated cardiomyopathy 1G; Autosomal recessive limb-girdle muscular dystrophy type 2J. Last evaluated: 2023-09-20. Review status: criteria provided, single submitter. Criteria: Invitae Variant Classification Sherloc (09022015). Collection method: clinical testing. Allele origin: germline.

GeneDx
Classification: Likely benign. Last evaluated: 2018-02-20. Review status: criteria provided, single submitter. Criteria: GeneDx Variant Classification (06012015). Collection method: clinical testing. Allele origin: germline. Affected: yes.
Comment: This variant is considered likely benign or benign based on one or more of the following criteria: it is a conservative change, it occurs at a poorly conserved position in the protein, it is predicted to be benign by multiple in silico algorithms, and/or has population frequency not consistent with disease.

NM_001267550.2(TTN):c.1398+12G>C

Gene: TTN (titin; minus strand). Cytogenetic location: 2q31.2.
Variant type: single nucleotide variant.
Coding change: c.1398+12G>C on transcript NM_001267550.2 (MANE Select); 12 bases into the intron after coding-DNA position 1398, G replaced by C.
Molecular consequence: intron variant.
Genome position (GRCh38, 1-based): chr2:178,794,387, C>G on the plus strand (G>C on the coding strand, the complement: TTN is on the minus strand). VCF-style: chr2-178794387-C-G. GRCh37 (hg19) VCF-style: chr2-179659114-C-G.
Other names: c.1398+12G>C (NM_003319.4, NM_133437.4, NM_133432.3 and 3 more transcripts).
Identifiers: ClinVar variation 515699 (VCV000515699.6), dbSNP rs1033605445, ClinGen allele CA60986278.